The following is an entry in ClinVar:

NM_001286577.2(C2CD3):c.1349T>C (p.Leu450Ser)

Gene: C2CD3 (C2 domain containing 3 centriole elongation regulator; minus strand). Cytogenetic location: 11q13.4.
Variant type: single nucleotide variant.
Coding change: c.1349T>C on transcript NM_001286577.2 (MANE Select); coding-DNA position 1349, T replaced by C.
Protein change: p.Leu450Ser; replaces leucine 450 with serine.
Molecular consequence: missense variant.
Genome position (GRCh38, 1-based): chr11:74,123,004, A>G on the plus strand (T>C on the coding strand, the complement: C2CD3 is on the minus strand). VCF-style: chr11-74123004-A-G. GRCh37 (hg19) VCF-style: chr11-73834049-A-G.
Other names: c.1349T>C, p.Leu450Ser (NM_015531.6); short protein forms L450S.
Identifiers: ClinVar variation 1917275 (VCV001917275.2), dbSNP rs147117792, ClinGen allele CA6182978.

ClinVar aggregate classification (germline): Uncertain significance (1 of 4 stars; one submission).

Allele frequency attached by ClinVar (database versions not stated): gnomAD exomes 0.00001; ExAC 0.00002; TOPMed 0.00008; gnomAD 0.00009; ESP Exome Variant Server 0.00023.
gnomAD v4.1: 22 of 1,613,392 alleles (0.0014%); highest among the groups gnomAD compares: African/African-American, 0.027%; no homozygotes.

Submission:

Labcorp Genetics (formerly Invitae), Labcorp
Classification: Uncertain significance. Last evaluated: 2022-02-13. Review status: criteria provided, single submitter. Criteria: Invitae Variant Classification Sherloc (09022015). Collection method: clinical testing. Allele origin: germline.
Comment: This sequence change replaces leucine, which is neutral and non-polar, with serine, which is neutral and polar, at codon 450 of the C2CD3 protein (p.Leu450Ser). This variant is present in population databases (rs147117792, gnomAD 0.03%). This variant has not been reported in the literature in individuals affected with C2CD3-related conditions. Algorithms developed to predict the effect of missense changes on protein structure and function are either unavailable or do not agree on the potential impact of this missense change (SIFT: "Deleterious"; PolyPhen-2: "Probably Damaging"; Align-GVGD: "Class C0"). In summary, the available evidence is currently insufficient to determine the role of this variant in disease. Therefore, it has been classified as a Variant of Uncertain Significance.